The following is an entry in ClinVar:

NM_000548.5(TSC2):c.4191C>T (p.Ile1397=)

Gene: TSC2 (TSC complex subunit 2; plus strand). Cytogenetic location: 16p13.3.
Variant type: single nucleotide variant.
Coding change: c.4191C>T on transcript NM_000548.5 (MANE Select); coding-DNA position 4191, C replaced by T.
Protein change: p.Ile1397=; no amino-acid change (isoleucine 1397 retained).
Molecular consequence: synonymous variant.
Genome position (GRCh38, 1-based): chr16:2,084,413, C>T. VCF-style: chr16-2084413-C-T. GRCh37 (hg19) VCF-style: chr16-2134414-C-T.
Other names: c.3990C>T, p.Ile1330= (NM_001077183.3); c.4122C>T, p.Ile1374= (NM_001114382.3); c.3882C>T, p.Ile1294= (NM_001318827.2); c.3846C>T, p.Ile1282= (NM_001318829.2); c.3459C>T, p.Ile1153= (NM_001318831.2); c.4023C>T, p.Ile1341= (NM_001318832.2); c.3993C>T, p.Ile1331= (NM_001363528.2); c.4059C>T, p.Ile1353= (NM_001370404.1); and 1 more.
Identifiers: ClinVar variation 719797 (VCV000719797.14), dbSNP rs1170748581, ClinGen allele CA493043185.
Genomic context (GRCh38, chr16:2,084,413, plus strand): 5'-GCCCTCGCAGCCCCTGAGCAAGTCCAGCTCCTCTCCCGAGCTGCAGACTCTGCAGGACAT[C>T]CTCGGGGACCCTGGGGACAAGGCCGACGTGGGCCGGCTGAGCCCTGAGGTTAAGGCCCGG-3'
Protein context (NP_000539.2, residues 1387-1407): SSPELQTLQD[Ile1397=]LGDPGDKADV

ClinVar aggregate classification (germline): Benign/Likely benign. Review status: criteria provided, multiple submitters, no conflicts (2 of 4 stars). 3 submissions from 3 submitters: Benign (1); Likely benign (2). Last evaluated 2025-11-10.

Conditions:
Tuberous sclerosis 2 (TSC2). Identifiers: Orphanet 805, MedGen C1860707, MONDO:0013199, OMIM 613254.
Hereditary cancer-predisposing syndrome. Also called: Hereditary neoplastic syndrome; Neoplastic Syndromes, Hereditary; Tumor predisposition; Hereditary Cancer Syndrome. Identifiers: Orphanet 140162, MedGen C0027672, MeSH D009386, MONDO:0015356.

Allele frequency attached by ClinVar (database versions not stated): gnomAD exomes below 0.00001 and 0.00001; TOPMed below 0.00001; gnomAD 0.00001.
gnomAD v4.1: 11 of 1,611,444 alleles (0.00068%); highest among the groups gnomAD compares: Non-Finnish European, 0.00093%; no homozygotes.

Submissions (3):

Labcorp Genetics (formerly Invitae), Labcorp
Classification: Likely benign for Tuberous sclerosis 2. Last evaluated: 2025-11-10. Review status: criteria provided, single submitter. Criteria: Invitae Variant Classification Sherloc (09022015). Collection method: clinical testing. Allele origin: germline.

Myriad Genetics, Inc.
Classification: Benign for Tuberous sclerosis 2. Last evaluated: 2025-06-03. Review status: criteria provided, single submitter. Criteria: Myriad Autosomal Dominant, Autosomal Recessive and X-Linked Classification Criteria (2023). Collection method: clinical testing. Allele origin: unknown.
Comment: This variant is considered benign. This variant is a silent/synonymous amino acid change and it is not expected to impact splicing.

Ambry Genetics
Classification: Likely benign for Hereditary cancer-predisposing syndrome. Last evaluated: 2020-01-06. Review status: criteria provided, single submitter. Criteria: Ambry Variant Classification Scheme 2023. Collection method: clinical testing. Allele origin: germline.